The following is an entry in ClinVar:

NM_000051.4(ATM):c.5524C>T (p.Leu1842Phe)

Gene: ATM (ATM serine/threonine kinase; plus strand). Cytogenetic location: 11q22.3.
Variant type: single nucleotide variant.
Coding change: c.5524C>T on transcript NM_000051.4 (MANE Select); coding-DNA position 5524, C replaced by T.
Protein change: p.Leu1842Phe; replaces leucine 1842 with phenylalanine.
Molecular consequence: missense variant.
Genome position (GRCh38, 1-based): chr11:108,304,702, C>T. VCF-style: chr11-108304702-C-T. GRCh37 (hg19) VCF-style: chr11-108175429-C-T.
Other names: c.5524C>T, p.Leu1842Phe (NM_001351834.2); short protein forms L1842F.
Identifiers: ClinVar variation 453584 (VCV000453584.15), dbSNP rs956546711, ClinGen allele CA228389689.

ClinVar aggregate classification (germline): Conflicting classifications of pathogenicity. Review status: criteria provided, conflicting classifications (1 of 4 stars). 4 submissions from 4 submitters: Uncertain significance (3); Likely benign (1). Last evaluated 2023-10-12.

Conditions:
Breast and/or ovarian cancer. Identifiers: MedGen CN221562.
Hereditary cancer-predisposing syndrome. Also called: Tumor predisposition; Hereditary Cancer Syndrome; Neoplastic Syndromes, Hereditary; Hereditary neoplastic syndrome. Identifiers: Orphanet 140162, MedGen C0027672, MeSH D009386, MONDO:0015356.
Ataxia-telangiectasia syndrome (AT). Also called: Cerebello-oculocutaneous telangiectasia; Immunodeficiency with ataxia telangiectasia; Ataxia-telangiectasia, complementation group D; AT, COMPLEMENTATION GROUP C; Ataxia-telangiectasia, complementation group E; LOUIS-BAR SYNDROME. Identifiers: Orphanet 100, MedGen C0004135, MONDO:0008840, OMIM 208900.

Allele frequency attached by ClinVar (database versions not stated): gnomAD exomes 0.00001.

Submissions (4):

Labcorp Genetics (formerly Invitae), Labcorp
Classification: Uncertain significance for Ataxia-telangiectasia syndrome. Last evaluated: 2023-10-12. Review status: criteria provided, single submitter. Criteria: Invitae Variant Classification Sherloc (09022015). Collection method: clinical testing. Allele origin: germline.
Comment: This sequence change replaces leucine, which is neutral and non-polar, with phenylalanine, which is neutral and non-polar, at codon 1842 of the ATM protein (p.Leu1842Phe). This variant is present in population databases (no rsID available, gnomAD 0.007%). This variant has not been reported in the literature in individuals affected with ATM-related conditions. ClinVar contains an entry for this variant (Variation ID: 453584). An algorithm developed to predict the effect of missense changes on protein structure and function (PolyPhen-2) suggests that this variant is likely to be disruptive. In summary, the available evidence is currently insufficient to determine the role of this variant in disease. Therefore, it has been classified as a Variant of Uncertain Significance.

Color Diagnostics, LLC DBA Color Health
Classification: Uncertain significance for Hereditary cancer-predisposing syndrome. Last evaluated: 2022-11-16. Review status: criteria provided, single submitter. Criteria: ACMG Guidelines, 2015. Collection method: clinical testing. Allele origin: germline.
Comment: This missense variant replaces leucine with phenylalanine at codon 1842 of the ATM protein. Computational prediction is inconclusive regarding the impact of this variant on protein structure and function (internally defined REVEL score threshold 0.5 < inconclusive < 0.7, PMID: 27666373). To our knowledge, functional studies have not been reported for this variant. This variant has been reported in an individual affected with breast cancer (PMID: 33471991). This variant has been identified in 2/250928 chromosomes in the general population by the Genome Aggregation Database (gnomAD). The available evidence is insufficient to determine the role of this variant in disease conclusively. Therefore, this variant is classified as a Variant of Uncertain Significance.

CHEO Genetics Diagnostic Laboratory, Children's Hospital of Eastern Ontario
Classification: Uncertain significance for Breast and/or ovarian cancer. Last evaluated: 2022-10-06. Review status: criteria provided, single submitter. Criteria: ACMG Guidelines, 2015. Collection method: clinical testing. Allele origin: germline.

Ambry Genetics
Classification: Likely benign for Hereditary cancer-predisposing syndrome. Last evaluated: 2017-08-08. Review status: criteria provided, single submitter. Criteria: Ambry Variant Classification Scheme 2023. Collection method: clinical testing. Allele origin: germline.

Literature cited by the submitters: PubMed 33471991 (cited by Color Diagnostics, LLC DBA Color Health).